The following is an entry in ClinVar:

NM_001370466.1(NOD2):c.761T>A (p.Leu254His)

Gene: NOD2 (nucleotide binding oligomerization domain containing 2; plus strand). Cytogenetic location: 16q12.1.
Variant type: single nucleotide variant.
Coding change: c.761T>A on transcript NM_001370466.1 (MANE Select); coding-DNA position 761, T replaced by A.
Protein change: p.Leu254His; replaces leucine 254 with histidine.
Molecular consequence: missense variant. On other transcripts: non-coding transcript variant (1).
Genome position (GRCh38, 1-based): chr16:50,710,753, T>A. VCF-style: chr16-50710753-T-A. GRCh37 (hg19) VCF-style: chr16-50744664-T-A.
Other names: c.761T>A, p.Leu254His (NM_001293557.2); c.842T>A, p.Leu281His (NM_022162.3); short protein forms L254H, L281H.
Identifiers: ClinVar variation 3349959 (VCV003349959.1).

ClinVar aggregate classification (germline): Uncertain significance (0 of 4 stars; one submission).

Conditions:
NOD2-related disorder. Also called: NOD2-related condition.

gnomAD v4.1: 1 of 1,613,982 alleles (0.000062%); highest among the groups gnomAD compares: African/African-American, 0.0013%; no homozygotes.

Submission:

PreventionGenetics, part of Exact Sciences
Classification: Uncertain significance for NOD2-related condition. Last evaluated: 2024-03-25. Review status: no assertion criteria provided. Collection method: clinical testing. Allele origin: germline.
Comment: The NOD2 c.842T>A variant is predicted to result in the amino acid substitution p.Leu281His. To our knowledge, this variant has not been reported in the literature or in a large population database, indicating this variant is rare. At this time, the clinical significance of this variant is uncertain due to the absence of conclusive functional and genetic evidence.